The following is an entry in ClinVar:

NM_001127511.3(APC):c.33C>G (p.Ala11=)

Gene: APC (APC regulator of Wnt signaling pathway; plus strand). Cytogenetic location: 5q22.2.
Variant type: single nucleotide variant.
Coding change: c.33C>G on transcript NM_001127511.3; coding-DNA position 33, C replaced by G.
Protein change: p.Ala11=; no amino-acid change (alanine 11 retained).
Molecular consequence: synonymous variant. On other transcripts: 5 prime UTR variant (8), non-coding transcript variant (1), intron variant (5).
Genome position (GRCh38, 1-based): chr5:112,707,750, C>G. VCF-style: chr5-112707750-C-G. GRCh37 (hg19) VCF-style: chr5-112043447-C-G.
Other names: c.-151C>G (NM_001354895.2, NM_001407447.1, NM_001407452.1 and 3 more transcripts); c.33C>G, p.Ala11= (NM_001354897.2, NM_001354902.2, NM_001407446.1); c.-1186C>G (NM_001407470.1, NM_001407472.1); c.-19+101C>G (NM_001407448.1, NM_001407450.1, NM_001407457.1 and 1 more transcripts); c.-43+101C>G (NM_001407453.1).
Identifiers: ClinVar variation 1005957 (VCV001005957.8), dbSNP rs1750604976, ClinGen allele CA1573442699.

ClinVar aggregate classification (germline): Uncertain significance (1 of 4 stars; one submission).

Conditions:
Familial adenomatous polyposis 1 (FAP1). Also called: FAMILIAL ADENOMATOUS POLYPOSIS 1, ATTENUATED; POLYPOSIS, ADENOMATOUS INTESTINAL. Identifiers: MedGen C2713442, MONDO:0021056, OMIM 175100. Disease mechanism: loss of function.

Allele frequency attached by ClinVar (database versions not stated): gnomAD exomes below 0.00001.
gnomAD v4.1: 3 of 1,370,646 alleles (0.00022%); highest among the groups gnomAD compares: African/African-American, 0.0043%; no homozygotes.

Submission:

Labcorp Genetics (formerly Invitae), Labcorp
Classification: Uncertain significance for Familial adenomatous polyposis 1. Last evaluated: 2022-11-01. Review status: criteria provided, single submitter. Criteria: Invitae Variant Classification Sherloc (09022015). Collection method: clinical testing. Allele origin: germline.
Comment: In summary, the available evidence is currently insufficient to determine the role of this variant in disease. Therefore, it has been classified as a Variant of Uncertain Significance. Experimental studies and prediction algorithms are not available or were not evaluated, and the functional significance of this variant is currently unknown. This variant has not been reported in the literature in individuals affected with APC-related conditions. This variant is not present in population databases (gnomAD no frequency). This variant occurs in a non-coding region of the APC gene. It does not change the encoded amino acid sequence of the APC protein.